The following is an entry in ClinVar:

ClinVar aggregate classification (germline): Uncertain significance (1 of 4 stars; one submission).

gnomAD v4.1: 1 of 1,612,920 alleles (0.000062%); highest among the groups gnomAD compares: African/African-American, 0.0013%; no homozygotes.

Submission:

Labcorp Genetics (formerly Invitae), Labcorp
Classification: Uncertain significance. Last evaluated: 2025-07-14. Review status: criteria provided, single submitter. Criteria: Invitae Variant Classification Sherloc (09022015). Collection method: clinical testing. Allele origin: germline.
Comment: This sequence change replaces isoleucine, which is neutral and non-polar, with methionine, which is neutral and non-polar, at codon 514 of the SLC1A2 protein (p.Ile514Met). This variant is not present in population databases (gnomAD no frequency). This variant has not been reported in the literature in individuals affected with SLC1A2-related conditions. An algorithm developed to predict the effect of missense changes on protein structure and function (PolyPhen-2) suggests that this variant is likely to be tolerated. In summary, the available evidence is currently insufficient to determine the role of this variant in disease. Therefore, it has been classified as a Variant of Uncertain Significance.

NM_004171.4(SLC1A2):c.1542T>G (p.Ile514Met)

Gene: SLC1A2 (solute carrier family 1 member 2; minus strand). Cytogenetic location: 11p13.
Variant type: single nucleotide variant.
Coding change: c.1542T>G on transcript NM_004171.4 (MANE Select); coding-DNA position 1542, T replaced by G.
Protein change: p.Ile514Met; replaces isoleucine 514 with methionine.
Molecular consequence: missense variant.
Genome position (GRCh38, 1-based): chr11:35,265,638, A>C on the plus strand (T>G on the coding strand, the complement: SLC1A2 is on the minus strand). VCF-style: chr11-35265638-A-C. GRCh37 (hg19) VCF-style: chr11-35287185-A-C.
Other names: c.1515T>G, p.Ile505Met (NM_001195728.3, NM_001252652.2, NM_001439341.1); c.1530T>G, p.Ile510Met (NM_001439342.1); c.1308T>G, p.Ile436Met (NM_001439343.1); short protein forms I436M, I505M, I510M, I514M.
Identifiers: ClinVar variation 4797411 (VCV004797411.1).